The following is an entry in ClinVar:

NM_000092.5(COL4A4):c.1203A>G (p.Ala401=)

Gene: COL4A4 (collagen type IV alpha 4 chain; minus strand). Cytogenetic location: 2q36.3.
Variant type: single nucleotide variant.
Coding change: c.1203A>G on transcript NM_000092.5 (MANE Select); coding-DNA position 1203, A replaced by G.
Protein change: p.Ala401=; no amino-acid change (alanine 401 retained).
Molecular consequence: synonymous variant.
Genome position (GRCh38, 1-based): chr2:227,098,695, T>C on the plus strand (A>G on the coding strand, the complement: COL4A4 is on the minus strand). VCF-style: chr2-227098695-T-C. GRCh37 (hg19) VCF-style: chr2-227963411-T-C.
Identifiers: ClinVar variation 422613 (VCV000422613.24), dbSNP rs778832152, ClinGen allele CA2145259.

ClinVar aggregate classification (germline): Conflicting classifications of pathogenicity. Review status: criteria provided, conflicting classifications (1 of 4 stars). 6 submissions from 6 submitters: Pathogenic (1); Likely pathogenic (1); Uncertain significance (3). 1 of the submissions does not count toward it. Last evaluated 2025-07-22.

Conditions:
Hematuria, benign familial, 1 (BFH1). Also called: THIN MEMBRANE NEPHROPATHY. Identifiers: MedGen CN376803, MONDO:0007709, OMIM 141200.
Autosomal recessive Alport syndrome (ATS2). Also called: Alport syndrome type 2; COL4A4 Alport Syndrome and Thin Basement Membrane Nephropathy; ALPORT SYNDROME 2, AUTOSOMAL RECESSIVE; COL4A3-Related Nephropathy. Identifiers: Orphanet 63, Orphanet 88919, MedGen C4746745, MONDO:0008762, OMIM 203780.
Alport syndrome. Also called: Hemorrhagic familial nephritis; Hemorrhagic hereditary nephritis; Congenital hereditary hematuria. Identifiers: Orphanet 63, MedGen C1567741, MONDO:0018965.

Allele frequency attached by ClinVar (database versions not stated): gnomAD exomes below 0.00001 and 0.00001; TOPMed below 0.00001; ExAC 0.00001; gnomAD 0.00001.
gnomAD v4.1: 5 of 1,613,432 alleles (0.00031%); highest among the groups gnomAD compares: Non-Finnish European, 0.00042%; no homozygotes.

Submissions (6):

Labcorp Genetics (formerly Invitae), Labcorp
Classification: Pathogenic. Last evaluated: 2025-07-22. Review status: criteria provided, single submitter. Criteria: Invitae Variant Classification Sherloc (09022015). Collection method: clinical testing. Allele origin: germline.
Comment: This sequence change affects codon 401 of the COL4A4 mRNA. It is a 'silent' change, meaning that it does not change the encoded amino acid sequence of the COL4A4 protein. It affects a nucleotide within the consensus splice site. This variant is present in population databases (rs778832152, gnomAD 0.0009%). This variant has been observed in individuals with clinical features of Alport syndrome (internal data). ClinVar contains an entry for this variant (Variation ID: 422613). Algorithms developed to predict the effect of sequence changes on RNA splicing suggest that this variant may disrupt the consensus splice site. For these reasons, this variant has been classified as Pathogenic.

GeneDx
Classification: Uncertain significance. Last evaluated: 2024-12-02. Review status: criteria provided, single submitter. Criteria: GeneDx Variant Classification Process June 2021. Collection method: clinical testing. Allele origin: germline. Affected: yes.
Comment: Not observed at significant frequency in large population cohorts (gnomAD); Has not been previously published as pathogenic or benign to our knowledge; In silico analysis supports a deleterious effect on splicing

Fulgent Genetics
Classification: Likely pathogenic for Hematuria, benign familial, 1; Autosomal recessive Alport syndrome. Last evaluated: 2024-02-01. Review status: criteria provided, single submitter. Criteria: ACMG Guidelines, 2015. Collection method: clinical testing. Allele origin: germline.

Revvity Omics, Revvity
Classification: Uncertain significance. Last evaluated: 2020-06-26. Review status: criteria provided, single submitter. Criteria: ACMG Guidelines, 2015. Collection method: clinical testing. Allele origin: germline.

Athena Diagnostics
Classification: Uncertain significance. Last evaluated: 2020-04-10. Review status: criteria provided, single submitter. Criteria: Athena Diagnostics Criteria. Collection method: clinical testing. Allele origin: unknown.

Natera, Inc.
Classification: Uncertain significance for Alport syndrome. Last evaluated: 2021-06-17. Review status: no assertion criteria provided. Collection method: clinical testing. Allele origin: germline. Not counted in ClinVar's aggregate classification.